The following is an entry in ClinVar:

ClinVar aggregate classification (germline): Pathogenic (1 of 4 stars; one submission).

Submission:

ISCA site 4
Classification: Pathogenic. Last evaluated: 2011-08-12. Review status: criteria provided, single submitter. Criteria: Kaminsky et al. (Genet Med. 2011). Collection method: clinical testing. Allele origin: unknown. Affected: yes. Observed: 1 variant allele.
Comment: Copy number variation identified through the course of routine clinical cytogenomic testing in postnatal populations. Clinical assertions have been curated as described in Kaminsky et al. 2011.

GRCh38/hg38 3p24.3-24.2(chr3:20054451-23858736)x1

Genes: KAT2B (lysine acetyltransferase 2B; plus strand), MIR3135A (microRNA 3135a; plus strand), SGO1 (shugoshin 1; minus strand), SGO1-AS1 (SGO1 antisense RNA 1; plus strand), UBE2E1 (ubiquitin conjugating enzyme E2 E1; plus strand) and 74 more. Cytogenetic location: 3p24.3-24.2.
Variant type: copy number loss.
Change: copy number 1 (one copy instead of two) of chr3:20,054,451-23,858,736 (3.80 Mb, GRCh38 coordinates, 1-based), cytogenetic band 3p24.3-24.2.
Identifiers: ClinVar variation 57768 (VCV000057768.1).